The following is an entry in ClinVar:

NM_001134407.3(GRIN2A):c.3192G>A (p.Thr1064=)

Gene: GRIN2A (glutamate ionotropic receptor NMDA type subunit 2A; minus strand). Cytogenetic location: 16p13.2.
Variant type: single nucleotide variant.
Coding change: c.3192G>A on transcript NM_001134407.3 (MANE Select); coding-DNA position 3192, G replaced by A.
Protein change: p.Thr1064=; no amino-acid change (threonine 1064 retained).
Molecular consequence: synonymous variant.
Genome position (GRCh38, 1-based): chr16:9,764,352, C>T on the plus strand (G>A on the coding strand, the complement: GRIN2A is on the minus strand). VCF-style: chr16-9764352-C-T. GRCh37 (hg19) VCF-style: chr16-9858209-C-T.
Other names: c.3192G>A, p.Thr1064= (NM_000833.5, NM_001134408.2).
Identifiers: ClinVar variation 444361 (VCV000444361.46), dbSNP rs748790515, ClinGen allele CA7896354.

ClinVar aggregate classification (germline): Benign/Likely benign. Review status: criteria provided, multiple submitters, no conflicts (2 of 4 stars). 2 submissions from 2 submitters: Benign (1); Likely benign (1). Last evaluated 2025-10-21.

Conditions:
Landau-Kleffner syndrome (FESD). Also called: EPILEPSY, FOCAL, WITH SPEECH DISORDER AND WITH OR WITHOUT MENTAL RETARDATION; APHASIA, ACQUIRED, WITH EPILEPSY. Identifiers: Orphanet 1945, Orphanet 725, Orphanet 98818, MedGen C0282512, MONDO:0009509, OMIM 245570.

Allele frequency attached by ClinVar (database versions not stated): TOPMed 0.00001; gnomAD exomes 0.00002 and 0.00001; ExAC 0.00001; gnomAD 0.00001.
gnomAD v4.1: 12 of 1,614,088 alleles (0.00074%); highest among the groups gnomAD compares: Middle Eastern, 0.016%; no homozygotes.

Submissions (2):

Labcorp Genetics (formerly Invitae), Labcorp
Classification: Benign for Landau-Kleffner syndrome. Last evaluated: 2025-10-21. Review status: criteria provided, single submitter. Criteria: Invitae Variant Classification Sherloc (09022015). Collection method: clinical testing. Allele origin: germline.

CeGaT Center for Human Genetics Tuebingen
Classification: Likely benign. Last evaluated: 2022-10-01. Review status: criteria provided, single submitter. Criteria: CeGaT Center For Human Genetics Tuebingen Variant Classification Criteria Version 2. Collection method: clinical testing. Allele origin: germline. Affected: yes. Observed: 2 variant alleles.
Comment: GRIN2A: BP4, BP7